The following is an entry in ClinVar:

NM_001100.4(ACTA1):c.1000C>G (p.Pro334Ala)

Gene: ACTA1 (actin alpha 1, skeletal muscle; minus strand). Cytogenetic location: 1q42.13.
Variant type: single nucleotide variant.
Coding change: c.1000C>G on transcript NM_001100.4 (MANE Select); coding-DNA position 1000, C replaced by G.
Protein change: p.Pro334Ala; replaces proline 334 with alanine.
Molecular consequence: missense variant.
Genome position (GRCh38, 1-based): chr1:229,431,633, G>C on the plus strand (C>G on the coding strand, the complement: ACTA1 is on the minus strand). VCF-style: chr1-229431633-G-C. GRCh37 (hg19) VCF-style: chr1-229567380-G-C.
Other names: short protein forms P334A.
Identifiers: ClinVar variation 3719947 (VCV003719947.3).

ClinVar aggregate classification (germline): Uncertain significance. Review status: criteria provided, multiple submitters, no conflicts (2 of 4 stars). 2 submissions from 2 submitters: Uncertain significance (2). Last evaluated 2025-03-20.

Conditions:
Actin accumulation myopathy (CMYO2A). Also called: CONGENITAL MYOPATHY 2A, TYPICAL, AUTOSOMAL DOMINANT; Nemaline myopathy type 3; Myopathy, actin, congenital, with excess of thin myofilaments; Myopathy, actin, congenital, with cores; Nemaline myopathy 3, with intranuclear rods. Identifiers: Orphanet 98904, MedGen C3711389, MONDO:0008070, OMIM 161800.

Submissions (2):

GeneDx
Classification: Uncertain significance. Last evaluated: 2025-03-20. Review status: criteria provided, single submitter. Criteria: GeneDx Variant Classification Process June 2021. Collection method: clinical testing. Allele origin: germline. Affected: yes.
Comment: Not observed at significant frequency in large population cohorts (gnomAD); Missense variants in this gene are a common cause of disease and they are underrepresented in the general population; In silico analysis supports that this missense variant has a deleterious effect on protein structure/function; Has not been previously published as pathogenic or benign to our knowledge; This variant is associated with the following publications: (PMID: 19206168, 15468086, 35726512, 36939041, 19562689, 32154989)

Labcorp Genetics (formerly Invitae), Labcorp
Classification: Uncertain significance for Actin accumulation myopathy. Last evaluated: 2024-10-17. Review status: criteria provided, single submitter. Criteria: Invitae Variant Classification Sherloc (09022015). Collection method: clinical testing. Allele origin: germline.
Comment: This sequence change replaces proline, which is neutral and non-polar, with alanine, which is neutral and non-polar, at codon 334 of the ACTA1 protein (p.Pro334Ala). This variant is not present in population databases (gnomAD no frequency). This variant has not been reported in the literature in individuals affected with ACTA1-related conditions. Invitae Evidence Modeling of protein sequence and biophysical properties (such as structural, functional, and spatial information, amino acid conservation, physicochemical variation, residue mobility, and thermodynamic stability) indicates that this missense variant is not expected to disrupt ACTA1 protein function with a negative predictive value of 80%. This variant disrupts the p.Pro334 amino acid residue in ACTA1. Other variant(s) that disrupt this residue have been determined to be pathogenic (PMID: 32154989; internal data). This suggests that this residue is clinically significant, and that variants that disrupt this residue are likely to be disease-causing. In summary, the available evidence is currently insufficient to determine the role of this variant in disease. Therefore, it has been classified as a Variant of Uncertain Significance.

Literature cited by the submitters: PubMed 32154989 (cited by Labcorp Genetics (formerly Invitae), Labcorp).